The following is an entry in ClinVar:

NM_001377229.1(DISP1):c.419G>A (p.Cys140Tyr)

Gene: DISP1 (dispatched RND transporter family member 1; plus strand). Cytogenetic location: 1q41.
Variant type: single nucleotide variant.
Coding change: c.419G>A on transcript NM_001377229.1 (MANE Select); coding-DNA position 419, G replaced by A.
Protein change: p.Cys140Tyr; replaces cysteine 140 with tyrosine.
Molecular consequence: missense variant. On other transcripts: 5 prime UTR variant (1).
Genome position (GRCh38, 1-based): chr1:222,943,242, G>A. VCF-style: chr1-222943242-G-A. GRCh37 (hg19) VCF-style: chr1-223116584-G-A.
Other names: c.-469G>A (NM_001350630.2); c.419G>A, p.Cys140Tyr (NM_001369594.1, NM_001377228.1, NM_032890.5); short protein forms C140Y.
Identifiers: ClinVar variation 4781301 (VCV004781301.1).

ClinVar aggregate classification (germline): Uncertain significance (1 of 4 stars; one submission).

Submission:

Labcorp Genetics (formerly Invitae), Labcorp
Classification: Uncertain significance. Last evaluated: 2025-05-01. Review status: criteria provided, single submitter. Criteria: Invitae Variant Classification Sherloc (09022015). Collection method: clinical testing. Allele origin: germline.
Comment: This sequence change replaces cysteine, which is neutral and slightly polar, with tyrosine, which is neutral and polar, at codon 140 of the DISP1 protein (p.Cys140Tyr). This variant is present in population databases (rs770735865, gnomAD 0.0009%). This variant has not been reported in the literature in individuals affected with DISP1-related conditions. An algorithm developed to predict the effect of missense changes on protein structure and function (PolyPhen-2) suggests that this variant is likely to be disruptive. In summary, the available evidence is currently insufficient to determine the role of this variant in disease. Therefore, it has been classified as a Variant of Uncertain Significance.